The following is an entry in ClinVar:

ClinVar aggregate classification (germline): Pathogenic (0 of 4 stars; one submission).

Submission:

Department of Pathology and Laboratory Medicine, Sinai Health System
Classification: Pathogenic. Review status: no assertion criteria provided. Collection method: clinical testing. Allele origin: unknown. Affected: yes. Study: The Canadian Open Genetics Repository (COGR).
Comment: The POLE c.6747+1G>A variant was not identified in the literature nor was it identified in the dbSNP or ClinVar databases. The variant was not identified in the following control databases: the Exome Aggregation Consortium (August 8th 2016) or the Genome Aggregation Database (Feb 27, 2017). The c.6747+1G>A variant is predicted to cause abnormal splicing because the nucleotide substitution occurs in the invariant region of the splice consensus sequence. In addition, 5 of 5 in silico or computational prediction software programs (SpliceSiteFinder, MaxEntScan, NNSPLICE, GeneSplicer, Human Splicing Finder) predict the loss of the 5â€šÃ„Ã´ splice site. In summary, based on the above information, this variant meets our laboratoryâ€šÃ„Ã´s criteria to be classified as pathogenic.

NM_006231.4(POLE):c.6747+1G>A

Gene: POLE (DNA polymerase epsilon, catalytic subunit; minus strand). Cytogenetic location: 12q24.33.
Variant type: single nucleotide variant.
Coding change: c.6747+1G>A on transcript NM_006231.4 (MANE Select); the canonical splice donor site of the intron after coding-DNA position 6747, G replaced by A.
Molecular consequence: splice donor variant.
Genome position (GRCh38, 1-based): chr12:132,624,904, C>T on the plus strand (G>A on the coding strand, the complement: POLE is on the minus strand). VCF-style: chr12-132624904-C-T. GRCh37 (hg19) VCF-style: chr12-133201490-C-T.
Identifiers: ClinVar variation 1049585 (VCV001049585.1), dbSNP rs2138422722, ClinGen allele CA387365970.
Genomic context (GRCh38, chr12:132,624,904, plus strand): 5'-TCCACTCAGAGAGGAGGCCAAGGAGGCCAGGCTGAGCCGAGGCAGATGAGGGAGAGCCCA[C>T]CTGGGTGTGGATGGTGAGGGCGAAGTCTCCCGCGCAGCTGCAGTACACAGGCATGCTGGT-3'